The following is an entry in ClinVar:

ClinVar aggregate classification (germline): Likely pathogenic (1 of 4 stars; one submission).

Conditions:
Carnitine palmitoyl transferase 1A deficiency. Also called: Carnitine palmitoyltransferase 1A deficiency; Carnitine palmitoyltransferase type I deficiency; CPT deficiency, hepatic, type IA; CPT I DEFICIENCY; CPT DEFICIENCY, HEPATIC, TYPE I. Identifiers: Orphanet 156, MedGen C1829703, MONDO:0009705, OMIM 255120.

Submission:

Labcorp Genetics (formerly Invitae), Labcorp
Classification: Likely pathogenic for Carnitine palmitoyl transferase 1A deficiency. Last evaluated: 2023-04-16. Review status: criteria provided, single submitter. Criteria: Invitae Variant Classification Sherloc (09022015). Collection method: clinical testing. Allele origin: unknown.
Comment: This variant results in a copy number gain of the genomic region encompassing exon(s) 5-10 of the CPT1A gene. While the exact position of this variant cannot be determined from the data, sub-genic copy number gains are generally in tandem (PMID: 25640679). This variant is predicted to be out-of-frame, and may result in an absent or disrupted protein product. Loss-of-function variants in CPT1A are known to be pathogenic (PMID: 16169268). This variant has not been reported in the literature in individuals affected with CPT1A-related conditions. In summary, the currently available evidence indicates that the variant is pathogenic, but additional data are needed to prove that conclusively. Therefore, this variant has been classified as Likely Pathogenic.

Literature cited by the submitters: PubMed 25640679; PubMed 16169268.

NC_000011.9:g.(?_68552263)_(68571589_?)dup

Gene: CPT1A (carnitine palmitoyltransferase 1A; minus strand). Cytogenetic location: 11q13.3.
Variant type: Duplication.
Identifiers: ClinVar variation 3244613 (VCV003244613.1).